The following is an entry in ClinVar:

NM_002456.6(MUC1):c.160-154C>T

Gene: MUC1 (mucin 1, cell surface associated; minus strand). Cytogenetic location: 1q22.
Variant type: single nucleotide variant.
Coding change: c.160-154C>T on transcript NM_002456.6; 154 bases into the intron before coding-DNA position 160, C replaced by T.
Molecular consequence: intron variant. On other transcripts: synonymous variant (3).
Genome position (GRCh38, 1-based): chr1:155,188,439, G>A on the plus strand (C>T on the coding strand, the complement: MUC1 is on the minus strand). VCF-style: chr1-155188439-G-A. GRCh37 (hg19) VCF-style: chr1-155160915-G-A.
Other names: c.187-227C>T (NM_001204296.2, NM_001204292.1); c.187-208C>T (NM_001044392.3, NM_001204288.2, NM_001018016.3 and 1 more transcripts); c.187-154C>T (NM_001204297.2, NM_001204287.2); c.187-376C>T (NM_001204291.1); c.124-385C>T (NM_001204290.2); c.160-227C>T (NM_001204294.2, NM_001044393.3, NM_001044390.3); c.160-208C>T (NM_001044391.3, NM_001018017.3); c.160-154C>T (NM_001204293.2); and 4 more.
Identifiers: ClinVar variation 4533739 (VCV004533739.6).

ClinVar aggregate classification (germline): Likely benign (1 of 4 stars; one submission).

Submission:

CeGaT Center for Human Genetics Tuebingen
Classification: Likely benign. Last evaluated: 2025-11-01. Review status: criteria provided, single submitter. Criteria: CeGaT Center For Human Genetics Tuebingen Variant Classification Criteria Version 2. Collection method: clinical testing. Allele origin: germline. Affected: yes. Observed: 1 variant allele.
Comment: MUC1: BP4, BP7